The following is an entry in ClinVar:

NM_004408.4(DNM1):c.2455C>T (p.Pro819Ser)

Genes: DNM1 (dynamin 1; plus strand), LOC130002699 (ATAC-STARR-seq lymphoblastoid silent region 20333; plus strand). Cytogenetic location: 9q34.11.
Variant type: single nucleotide variant.
Coding change: c.2455C>T on transcript NM_004408.4 (MANE Select); coding-DNA position 2455, C replaced by T.
Protein change: p.Pro819Ser; replaces proline 819 with serine.
Molecular consequence: missense variant.
Genome position (GRCh38, 1-based): chr9:128,250,861, C>T. VCF-style: chr9-128250861-C-T. GRCh37 (hg19) VCF-style: chr9-131013140-C-T.
Other names: c.2455C>T, p.Pro819Ser (NM_001005336.3, NM_001288737.2, NM_001288738.2 and 1 more transcripts); short protein forms P819S.
Identifiers: ClinVar variation 430516 (VCV000430516.13), dbSNP rs1131692001, ClinGen allele CA375001828.

ClinVar aggregate classification (germline): Uncertain significance. Review status: criteria provided, multiple submitters, no conflicts (2 of 4 stars). 2 submissions from 2 submitters: Uncertain significance (2). Last evaluated 2024-11-11.

Conditions:
Developmental and epileptic encephalopathy, 31A. Also called: Epileptic encephalopathy, early infantile, 31; Developmental and epileptic encephalopathy, 31. Identifiers: Orphanet 2382, MedGen C4225357, MONDO:0014598, OMIM 616346.

Allele frequency attached by ClinVar (database versions not stated): TOPMed below 0.00001; gnomAD 0.00001.

Submissions (2):

Labcorp Genetics (formerly Invitae), Labcorp
Classification: Uncertain significance for Developmental and epileptic encephalopathy, 31A. Last evaluated: 2024-11-11. Review status: criteria provided, single submitter. Criteria: Invitae Variant Classification Sherloc (09022015). Collection method: clinical testing. Allele origin: germline.
Comment: This sequence change replaces proline, which is neutral and non-polar, with serine, which is neutral and polar, at codon 819 of the DNM1 protein (p.Pro819Ser). This variant is not present in population databases (gnomAD no frequency). This variant has not been reported in the literature in individuals affected with DNM1-related conditions. ClinVar contains an entry for this variant (Variation ID: 430516). Invitae Evidence Modeling of protein sequence and biophysical properties (such as structural, functional, and spatial information, amino acid conservation, physicochemical variation, residue mobility, and thermodynamic stability) has been performed for this missense variant. However, the output from this modeling did not meet the statistical confidence thresholds required to predict the impact of this variant on DNM1 protein function. In summary, the available evidence is currently insufficient to determine the role of this variant in disease. Therefore, it has been classified as a Variant of Uncertain Significance.

GeneDx
Classification: Uncertain significance. Last evaluated: 2024-09-10. Review status: criteria provided, single submitter. Criteria: GeneDx Variant Classification Process June 2021. Collection method: clinical testing. Allele origin: germline. Affected: yes.
Comment: Not observed in large population cohorts (gnomAD); In silico analysis supports that this missense variant has a deleterious effect on protein structure/function; Has not been previously published as pathogenic or benign to our knowledge